The following is an entry in ClinVar:

NM_004259.7(RECQL5):c.1229+487G>A

Gene: RECQL5 (RecQ like helicase 5; minus strand). Cytogenetic location: 17q25.1.
Variant type: single nucleotide variant.
Coding change: c.1229+487G>A on transcript NM_004259.7 (MANE Select); 487 bases into the intron after coding-DNA position 1229, G replaced by A.
Molecular consequence: intron variant. On other transcripts: missense variant (1), 3 prime UTR variant (1).
Genome position (GRCh38, 1-based): chr17:75,650,699, C>T on the plus strand (G>A on the coding strand, the complement: RECQL5 is on the minus strand). VCF-style: chr17-75650699-C-T. GRCh37 (hg19) VCF-style: chr17-73646779-C-T.
Other names: c.1249G>A, p.Gly417Arg (NM_001003715.4); c.*483G>A (NM_001003716.4); short protein forms G417R.
Identifiers: ClinVar variation 3358260 (VCV003358260.1).

ClinVar aggregate classification (germline): Uncertain significance (0 of 4 stars; one submission).

Conditions:
RECQL5-related disorder. Also called: RECQL5-related condition.

gnomAD v4.1: 39 of 1,613,776 alleles (0.0024%); highest among the groups gnomAD compares: Non-Finnish European, 0.0028%; no homozygotes.

Submission:

PreventionGenetics, part of Exact Sciences
Classification: Uncertain significance for RECQL5-related condition. Last evaluated: 2024-03-27. Review status: no assertion criteria provided. Collection method: clinical testing. Allele origin: germline.
Comment: The RECQL5 c.1249G>A variant is predicted to result in the amino acid substitution p.Gly417Arg. To our knowledge, this variant has not been reported in the literature. This variant is reported in 0.0054% of alleles in individuals of European (Non-Finnish) descent in gnomAD. At this time, the clinical significance of this variant is uncertain due to the absence of conclusive functional and genetic evidence.